The following is an entry in ClinVar:

ClinVar aggregate classification (germline): Uncertain significance (1 of 4 stars; one submission).

Conditions:
Hereditary cancer-predisposing syndrome. Also called: Hereditary Cancer Syndrome; Hereditary neoplastic syndrome; Neoplastic Syndromes, Hereditary; Tumor predisposition. Identifiers: Orphanet 140162, MedGen C0027672, MeSH D009386, MONDO:0015356.

Submission:

Ambry Genetics
Classification: Uncertain significance for Hereditary cancer-predisposing syndrome. Last evaluated: 2025-08-20. Review status: criteria provided, single submitter. Criteria: Ambry Variant Classification Scheme 2023. Collection method: clinical testing. Allele origin: germline.
Comment: The c.903+2T>C intronic variant results from a T to C substitution two nucleotides after coding exon 6 in the DICER1 gene. This nucleotide position is highly conserved in available vertebrate species. In silico splice site analysis predicts that this alteration will weaken the native splice donor site and will result in the creation or strengthening of a novel splice donor site. RNA studies have demonstrated that this alteration results in a transcript predicted to lead to a protein with an in-frame insertion of 5 amino acid(s); however, the exact functional impact of the inserted amino acid(s) is unknown at this time (Ambry internal data). Based on the available evidence, the clinical significance of this variant remains unclear.

NM_177438.3(DICER1):c.903+2T>C

Gene: DICER1 (dicer 1, ribonuclease III; minus strand). Cytogenetic location: 14q32.13.
Variant type: single nucleotide variant.
Coding change: c.903+2T>C on transcript NM_177438.3 (MANE Select); the canonical splice donor site of the intron after coding-DNA position 903, T replaced by C.
Molecular consequence: splice donor variant.
Genome position (GRCh38, 1-based): chr14:95,126,578, A>G on the plus strand (T>C on the coding strand, the complement: DICER1 is on the minus strand). VCF-style: chr14-95126578-A-G. GRCh37 (hg19) VCF-style: chr14-95592915-A-G.
Other names: c.903+2T>C (NM_001395678.1, NM_001395680.1, NM_001395684.1 and 14 more transcripts); c.498+2T>C (NM_001395690.1, NM_001395687.1, NM_001395689.1 and 3 more transcripts); c.621+2T>C (NM_001395686.1); c.336+2T>C (NM_001395691.1); c.-666+2T>C (NM_001395697.1).
Identifiers: ClinVar variation 4240525 (VCV004240525.1).
Genomic context (GRCh38, chr14:95,126,578, plus strand): 5'-AATATTAAAAATTAACAAAGCTTTCAAAATATAATCACTATACCTACTTGGTATATGCTT[A>G]CCTGTTTCGAAATTAAAGTAGAATCTCTTTCTTTTGAATGTACAGATATATTACAATCAT-3'